The following is an entry in ClinVar:

ClinVar aggregate classification (germline): Uncertain significance (1 of 4 stars; one submission).

Conditions:
Schuurs-Hoeijmakers syndrome. Also called: PACS1-Related Neurodevelopmental Disorder. Identifiers: Orphanet 329224, MedGen C3554343, MONDO:0014006, OMIM 615009.

gnomAD v4.1: 1 of 1,614,204 alleles (0.000062%); highest among the groups gnomAD compares: Admixed American, 0.0017%; no homozygotes.

Submission:

Labcorp Genetics (formerly Invitae), Labcorp
Classification: Uncertain significance for Schuurs-Hoeijmakers syndrome. Last evaluated: 2024-07-29. Review status: criteria provided, single submitter. Criteria: Invitae Variant Classification Sherloc (09022015). Collection method: clinical testing. Allele origin: germline.
Comment: This sequence change replaces glutamine, which is neutral and polar, with histidine, which is basic and polar, at codon 408 of the PACS1 protein (p.Gln408His). This variant is present in population databases (rs774951789, gnomAD 0.003%). This variant has not been reported in the literature in individuals affected with PACS1-related conditions. An algorithm developed to predict the effect of missense changes on protein structure and function (PolyPhen-2) suggests that this variant is likely to be tolerated. In summary, the available evidence is currently insufficient to determine the role of this variant in disease. Therefore, it has been classified as a Variant of Uncertain Significance.

NM_018026.4(PACS1):c.1224G>T (p.Gln408His)

Gene: PACS1 (phosphofurin acidic cluster sorting protein 1; plus strand). Cytogenetic location: 11q13.2.
Variant type: single nucleotide variant.
Coding change: c.1224G>T on transcript NM_018026.4 (MANE Select); coding-DNA position 1224, G replaced by T.
Protein change: p.Gln408His; replaces glutamine 408 with histidine.
Molecular consequence: missense variant.
Genome position (GRCh38, 1-based): chr11:66,221,178, G>T. VCF-style: chr11-66221178-G-T. GRCh37 (hg19) VCF-style: chr11-65988649-G-T.
Other names: short protein forms Q408H.
Identifiers: ClinVar variation 3710882 (VCV003710882.2).
Genomic context (GRCh38, chr11:66,221,178, plus strand): 5'-TGGCAGCACTGACCCTGGCTGTGCTCTTCACCACAGGCCTTTCTTTGAGGGGATGTCGCA[G>T]TCCAGCTCCCAGACGGAGATTGGCAGCCTCAACAGCAAAGGCAGCCTCGGAAAAGACACC-3'
Protein context (NP_060496.2, residues 398-418): KLKPFFEGMS[Gln408His]SSSQTEIGSL